The following is an entry in ClinVar:

ClinVar aggregate classification (germline): Likely benign. Review status: criteria provided, multiple submitters, no conflicts (2 of 4 stars). 4 submissions from 4 submitters: Likely benign (4). Last evaluated 2026-01-11.

Conditions:
Inborn genetic diseases. Identifiers: MedGen C0950123, MeSH D030342.
Neuropathy, hereditary sensory, type 2C. Also called: Hereditary sensory and autonomic neuropathy type IIC; KIF1A-Related HSAN2 (HSAN2C). Identifiers: Orphanet 970, MedGen C3280168, MONDO:0013634, OMIM 614213.
Intellectual disability, autosomal dominant 9 (NESCAVS). Also called: KIF1A-Related Neurodevelopmental Disorder; NESCAV SYNDROME. Identifiers: Orphanet 662367, MedGen C5393830, MONDO:0013656, OMIM 614255.
Hereditary spastic paraplegia 30. Identifiers: Orphanet 101010, MedGen C5235139, MONDO:0012476.

Allele frequency attached by ClinVar (database versions not stated): ExAC 0.00002; gnomAD exomes 0.00002; TOPMed 0.00003; gnomAD 0.00005 and 0.00006; 1000 Genomes Project 30x 0.00016; 1000 Genomes Project 0.00020.
gnomAD v4.1: 41 of 1,613,526 alleles (0.0025%); highest among the groups gnomAD compares: Admixed American, 0.005%; no homozygotes.

Submissions (4):

Labcorp Genetics (formerly Invitae), Labcorp
Classification: Likely benign for Hereditary spastic paraplegia 30; Neuropathy, hereditary sensory, type 2C; Intellectual disability, autosomal dominant 9. Last evaluated: 2026-01-11. Review status: criteria provided, single submitter. Criteria: Invitae Variant Classification Sherloc (09022015). Collection method: clinical testing. Allele origin: germline.

Blueprint Genetics
Classification: Likely benign. Last evaluated: 2024-01-10. Review status: criteria provided, single submitter. Criteria: ACMG Guidelines, 2015. Collection method: clinical testing. Allele origin: germline.

GeneDx
Classification: Likely benign. Last evaluated: 2017-06-13. Review status: criteria provided, single submitter. Criteria: GeneDx Variant Classification (06012015). Collection method: clinical testing. Allele origin: germline. Affected: yes.
Comment: This variant is considered likely benign or benign based on one or more of the following criteria: it is a conservative change, it occurs at a poorly conserved position in the protein, it is predicted to be benign by multiple in silico algorithms, and/or has population frequency not consistent with disease.

Ambry Genetics
Classification: Likely benign for Inborn genetic diseases. Last evaluated: 2017-02-21. Review status: criteria provided, single submitter. Criteria: Ambry Variant Classification Scheme 2023. Collection method: clinical testing. Allele origin: germline.

NM_001244008.2(KIF1A):c.657C>T (p.Ala219=)

Gene: KIF1A (kinesin family member 1A; minus strand). Cytogenetic location: 2q37.3.
Variant type: single nucleotide variant.
Coding change: c.657C>T on transcript NM_001244008.2 (MANE Select); coding-DNA position 657, C replaced by T.
Protein change: p.Ala219=; no amino-acid change (alanine 219 retained).
Molecular consequence: synonymous variant.
Genome position (GRCh38, 1-based): chr2:240,785,052, G>A on the plus strand (C>T on the coding strand, the complement: KIF1A is on the minus strand). VCF-style: chr2-240785052-G-A. GRCh37 (hg19) VCF-style: chr2-241724469-G-A.
Other names: c.657C>T, p.Ala219= (NM_001320705.2, NM_001330289.2, NM_001330290.2 and 20 more transcripts).
Identifiers: ClinVar variation 517967 (VCV000517967.17), dbSNP rs531993959, ClinGen allele CA2208712.